The following is an entry in ClinVar:

ClinVar aggregate classification (germline): Likely benign (0 of 4 stars; one submission).

Conditions:
PPFIA1-related disorder. Also called: PPFIA1-related condition.

Submission:

PreventionGenetics, part of Exact Sciences
Classification: Likely benign for PPFIA1-related condition. Last evaluated: 2020-09-03. Review status: no assertion criteria provided. Collection method: clinical testing. Allele origin: germline.
Comment: This variant is classified as likely benign based on ACMG/AMP sequence variant interpretation guidelines (Richards et al. 2015 PMID: 25741868, with internal and published modifications).

NM_003626.5(PPFIA1):c.180G>C (p.Thr60=)

Gene: PPFIA1 (PTPRF interacting protein alpha 1; plus strand). Cytogenetic location: 11q13.3.
Variant type: single nucleotide variant.
Coding change: c.180G>C on transcript NM_003626.5 (MANE Select); coding-DNA position 180, G replaced by C.
Protein change: p.Thr60=; no amino-acid change (threonine 60 retained).
Molecular consequence: synonymous variant. On other transcripts: non-coding transcript variant (1).
Genome position (GRCh38, 1-based): chr11:70,272,352, G>C. VCF-style: chr11-70272352-G-C. GRCh37 (hg19) VCF-style: chr11-70118458-G-C.
Other names: c.180G>C, p.Thr60= (NM_001378006.1, NM_177423.3).
Identifiers: ClinVar variation 3031918 (VCV003031918.2), dbSNP rs2050141946, ClinGen allele CA475237324.